The following is an entry in ClinVar:

ClinVar aggregate classification (germline): Uncertain significance (1 of 4 stars; one submission).

Conditions:
Inborn genetic diseases. Identifiers: MedGen C0950123, MeSH D030342.

Submission:

Ambry Genetics
Classification: Uncertain significance for Inborn genetic diseases. Last evaluated: 2024-09-26. Review status: criteria provided, single submitter. Criteria: Ambry Variant Classification Scheme 2023. Collection method: clinical testing. Allele origin: germline.
Comment: The p.M1398T variant (also known as c.4193T>C), located in coding exon 23 of the ATR gene, results from a T to C substitution at nucleotide position 4193. The methionine at codon 1398 is replaced by threonine, an amino acid with similar properties. This amino acid position is conserved. In addition, this alteration is predicted to be tolerated by in silico analysis. Based on the available evidence, the clinical significance of this variant remains unclear.

NM_001184.4(ATR):c.4193T>C (p.Met1398Thr)

Gene: ATR (ATR serine/threonine kinase; minus strand). Cytogenetic location: 3q23.
Variant type: single nucleotide variant.
Coding change: c.4193T>C on transcript NM_001184.4 (MANE Select); coding-DNA position 4193, T replaced by C.
Protein change: p.Met1398Thr; replaces methionine 1398 with threonine.
Molecular consequence: missense variant.
Genome position (GRCh38, 1-based): chr3:142,522,801, A>G on the plus strand (T>C on the coding strand, the complement: ATR is on the minus strand). VCF-style: chr3-142522801-A-G. GRCh37 (hg19) VCF-style: chr3-142241643-A-G.
Other names: c.4001T>C, p.Met1334Thr (NM_001354579.2); short protein forms M1334T, M1398T.
Identifiers: ClinVar variation 3462833 (VCV003462833.1).
Genomic context (GRCh38, chr3:142,522,801, plus strand): 5'-GCAGCTGAATCTTGAGCTCGGCTATTATCAGCATACGCAAGGTAAGCTCTTGTTAGCTCC[A>G]TCAATAATCCATAGGCAAAGCTTGAATCTTCTACTCCAGTCTCAATCAGAAAAAAAAAAA-3'
Protein context (NP_001175.2, residues 1388-1408): EDSSFAYGLL[Met1398Thr]ELTRAYLAYA